The following is an entry in ClinVar:

ClinVar aggregate classification (germline): Likely pathogenic (1 of 4 stars; one submission).

Submission:

Labcorp Genetics (formerly Invitae), Labcorp
Classification: Likely pathogenic. Last evaluated: 2023-02-17. Review status: criteria provided, single submitter. Criteria: Invitae Variant Classification Sherloc (09022015). Collection method: clinical testing. Allele origin: germline.
Comment: Algorithms developed to predict the effect of sequence changes on RNA splicing suggest that this variant may disrupt the consensus splice site. In summary, the currently available evidence indicates that the variant is pathogenic, but additional data are needed to prove that conclusively. Therefore, this variant has been classified as Likely Pathogenic. This variant has not been reported in the literature in individuals affected with GRIP1-related conditions. This variant is not present in population databases (gnomAD no frequency). This sequence change affects an acceptor splice site in intron 13 of the GRIP1 gene. It is expected to disrupt RNA splicing. Variants that disrupt the donor or acceptor splice site typically lead to a loss of protein function (PMID: 16199547), and loss-of-function variants in GRIP1 are known to be pathogenic (PMID: 22510445, 24357607).

Literature cited by the submitters: PubMed 16199547; PubMed 22510445; PubMed 24357607.

NM_001366722.1(GRIP1):c.1769-1G>A

Gene: GRIP1 (glutamate receptor interacting protein 1; minus strand). Cytogenetic location: 12q14.3.
Variant type: single nucleotide variant.
Coding change: c.1769-1G>A on transcript NM_001366722.1 (MANE Select); the canonical splice acceptor site of the intron before coding-DNA position 1769, G replaced by A.
Molecular consequence: splice acceptor variant.
Genome position (GRCh38, 1-based): chr12:66,420,790, C>T on the plus strand (G>A on the coding strand, the complement: GRIP1 is on the minus strand). VCF-style: chr12-66420790-C-T. GRCh37 (hg19) VCF-style: chr12-66814570-C-T.
Other names: c.1613-1G>A (NM_001379351.1, NM_001178074.2, NM_021150.4); c.1616-1G>A (NM_001379349.1); c.1688-1G>A (NM_001379348.1, NM_001366723.1); c.1691-1G>A (NM_001379347.1, NM_001366724.1); c.1847-1G>A (NM_001379345.1); c.1769-1G>A (NM_001379346.1).
Identifiers: ClinVar variation 2838526 (VCV002838526.3), dbSNP rs2500345300, ClinGen allele CA385619691.
Genomic context (GRCh38, chr12:66,420,790, plus strand): 5'-CACTCCCTTTCTTGATATCTGAAATGACGAGGGGGTCTCCTGGTTTTCTACTGGATGGTG[C>T]TGTAATAATGGAGATAGAATAATCACATCTTTATATCCATTATTCACCCCTTACTGTACA-3'